The following is an entry in ClinVar:

NM_006371.5(CRTAP):c.556G>A (p.Ala186Thr)

Gene: CRTAP (cartilage associated protein; plus strand). Cytogenetic location: 3p22.3.
Variant type: single nucleotide variant.
Coding change: c.556G>A on transcript NM_006371.5 (MANE Select); coding-DNA position 556, G replaced by A.
Protein change: p.Ala186Thr; replaces alanine 186 with threonine.
Molecular consequence: missense variant. On other transcripts: intron variant (1).
Genome position (GRCh38, 1-based): chr3:33,120,428, G>A. VCF-style: chr3-33120428-G-A. GRCh37 (hg19) VCF-style: chr3-33161920-G-A.
Other names: c.556G>A, p.Ala186Thr (NM_001393364.1, NM_001393363.1); c.472-3980G>A (NM_001393365.1); short protein forms A186T.
Identifiers: ClinVar variation 3670268 (VCV003670268.2).

ClinVar aggregate classification (germline): Uncertain significance (1 of 4 stars; one submission).

Conditions:
Osteogenesis imperfecta type 7 (OI7). Also called: OSTEOGENESIS IMPERFECTA, TYPE IIB; Osteogenesis imperfecta type 2B; OI type 2B; Osteogenesis imperfecta, perinatal lethal autosomal recessive; OI type IIB; OI type 7. Identifiers: MedGen C1853162, MONDO:0012536, OMIM 610682.

gnomAD v4.1: 2 of 1,613,512 alleles (0.00012%); highest among the groups gnomAD compares: Non-Finnish European, 0.00017%; no homozygotes.

Submission:

Labcorp Genetics (formerly Invitae), Labcorp
Classification: Uncertain significance for Osteogenesis imperfecta type 7. Last evaluated: 2025-01-20. Review status: criteria provided, single submitter. Criteria: Invitae Variant Classification Sherloc (09022015). Collection method: clinical testing. Allele origin: germline.
Comment: This sequence change replaces alanine, which is neutral and non-polar, with threonine, which is neutral and polar, at codon 186 of the CRTAP protein (p.Ala186Thr). This variant is not present in population databases (gnomAD no frequency). This missense change has been observed in individual(s) with osteogenesis imperfecta (internal data). In at least one individual the data is consistent with being in trans (on the opposite chromosome) from a pathogenic variant. Invitae Evidence Modeling of protein sequence and biophysical properties (such as structural, functional, and spatial information, amino acid conservation, physicochemical variation, residue mobility, and thermodynamic stability) indicates that this missense variant is expected to disrupt CRTAP protein function with a positive predictive value of 80%. In summary, the available evidence is currently insufficient to determine the role of this variant in disease. Therefore, it has been classified as a Variant of Uncertain Significance.